The following is an entry in ClinVar:

ClinVar aggregate classification (germline): Uncertain significance (0 of 4 stars; one submission).

Conditions:
PLXNA1-related disorder. Also called: PLXNA1-related condition.

Allele frequency attached by ClinVar (database versions not stated): TOPMed below 0.00001; gnomAD exomes 0.00001; ExAC 0.00002.
gnomAD v4.1: 6 of 1,611,616 alleles (0.00037%); highest among the groups gnomAD compares: Admixed American, 0.0083%; no homozygotes.

Submission:

PreventionGenetics, part of Exact Sciences
Classification: Uncertain significance for PLXNA1-related condition. Last evaluated: 2024-02-08. Review status: no assertion criteria provided. Collection method: clinical testing. Allele origin: germline.
Comment: The PLXNA1 c.1456A>G variant is predicted to result in the amino acid substitution p.Ile486Val. To our knowledge, this variant has not been reported in the literature. This variant is reported in 0.015% of alleles in individuals of Latino descent in gnomAD. At this time, the clinical significance of this variant is uncertain due to the absence of conclusive functional and genetic evidence.

NM_032242.4(PLXNA1):c.1456A>G (p.Ile486Val)

Gene: PLXNA1 (plexin A1; plus strand). Cytogenetic location: 3q21.3.
Variant type: single nucleotide variant.
Coding change: c.1456A>G on transcript NM_032242.4 (MANE Select); coding-DNA position 1456, A replaced by G.
Protein change: p.Ile486Val; replaces isoleucine 486 with valine.
Molecular consequence: missense variant.
Genome position (GRCh38, 1-based): chr3:127,003,408, A>G. VCF-style: chr3-127003408-A-G. GRCh37 (hg19) VCF-style: chr3-126722251-A-G.
Other names: short protein forms I486V.
Identifiers: ClinVar variation 3046032 (VCV003046032.2), dbSNP rs773085393, ClinGen allele CA2593247.
Genomic context (GRCh38, chr3:127,003,408, plus strand): 5'-AACCCCGGTGGCCGGCCTGCCCTGGCCTACGAGAGCGTCGTGGCCCAGGAGGGCAGCCCC[A>G]TCCTGCGAGACCTCGTCCTCAGCCCCAACCACCAGTACCTCTACGCCATGACCGAGAAGC-3'
Protein context (NP_115618.3, residues 476-496): ESVVAQEGSP[Ile486Val]LRDLVLSPNH